The following is an entry in ClinVar:

NM_001378778.1(MPDZ):c.2369C>G (p.Ser790Ter)

Gene: MPDZ (multiple PDZ domain crumbs cell polarity complex component; minus strand). Cytogenetic location: 9p23.
Variant type: single nucleotide variant.
Coding change: c.2369C>G on transcript NM_001378778.1 (MANE Select); coding-DNA position 2369, C replaced by G.
Protein change: p.Ser790Ter; replaces serine 790 with a stop codon.
Molecular consequence: nonsense.
Genome position (GRCh38, 1-based): chr9:13,186,382, G>C on the plus strand (C>G on the coding strand, the complement: MPDZ is on the minus strand). VCF-style: chr9-13186382-G-C. GRCh37 (hg19) VCF-style: chr9-13186381-G-C.
Other names: c.2369C>G, p.Ser790Ter (NM_001261406.2, NM_001261407.2, NM_001330637.2 and 14 more transcripts); short protein forms S790*.
Identifiers: ClinVar variation 2857693 (VCV002857693.3), dbSNP rs2493850822, ClinGen allele CA372936624.

ClinVar aggregate classification (germline): Pathogenic (1 of 4 stars; one submission).

Submission:

Labcorp Genetics (formerly Invitae), Labcorp
Classification: Pathogenic. Last evaluated: 2023-04-20. Review status: criteria provided, single submitter. Criteria: Invitae Variant Classification Sherloc (09022015). Collection method: clinical testing. Allele origin: germline.
Comment: This variant has not been reported in the literature in individuals affected with MPDZ-related conditions. For these reasons, this variant has been classified as Pathogenic. This variant is not present in population databases (gnomAD no frequency). This sequence change creates a premature translational stop signal (p.Ser790*) in the MPDZ gene. It is expected to result in an absent or disrupted protein product. Loss-of-function variants in MPDZ are known to be pathogenic (PMID: 23240096, 28556411).

Literature cited by the submitters: PubMed 23240096; PubMed 28556411.